The following is an entry in ClinVar:

ClinVar aggregate classification (germline): Conflicting classifications of pathogenicity. Review status: criteria provided, conflicting classifications (1 of 4 stars). 8 submissions from 5 submitters: Uncertain significance (5); Likely benign (3). Last evaluated 2025-05-25.

Conditions:
Hypogonadotropic hypogonadism 2 with or without anosmia (HH2). Also called: HYPOGONADOTROPIC HYPOGONADISM 2 WITH OR WITHOUT ANOSMIA, SUSCEPTIBILITY TO; HYPOGONADOTROPIC HYPOGONADISM 2 WITHOUT ANOSMIA, SUSCEPTIBILITY TO; FGFR1-Related GnRH Deficiency (Kallmann Syndrome 2); HYPOGONADOTROPIC HYPOGONADISM 2 WITHOUT ANOSMIA. Identifiers: Orphanet 478, MedGen C1563720, MONDO:0007844, OMIM 147950. Disease mechanism: loss of function.
Pfeiffer syndrome (ACS5). Also called: ACS V. Identifiers: Orphanet 710, MedGen C0220658, MONDO:0007043, OMIM 101600.
Trigonocephaly 1 (TRIGNO1). Identifiers: Orphanet 3366, MedGen C0432122, MONDO:0008603, OMIM 190440.
Craniosynostosis syndrome. Also called: Craniosynostosis. Identifiers: Orphanet 1531, MedGen C0010278, MeSH D003398, MONDO:0015469, HP:0001363.
Inborn genetic diseases. Identifiers: MedGen C0950123, MeSH D030342.
Osteoglophonic dysplasia (OGD). Also called: Osteoglophonic dwarfism. Identifiers: Orphanet 2645, MedGen C0432283, MONDO:0008150, OMIM 166250.

Allele frequency attached by ClinVar (database versions not stated): ExAC 0.00004; gnomAD exomes 0.00006 and 0.00016; TOPMed 0.00007; gnomAD 0.00008 and 0.00009.
gnomAD v4.1: 239 of 1,614,004 alleles (0.015%); highest among the groups gnomAD compares: Non-Finnish European, 0.02%; no homozygotes.

Submissions (8):

Clinical Genomics Laboratory, Washington University in St. Louis
Classification: Uncertain significance for Pfeiffer syndrome. Last evaluated: 2025-05-25. Review status: criteria provided, single submitter. Criteria: ACMG Guidelines, 2015. Collection method: clinical testing. Allele origin: germline.
Comment: An FGFR1 c.415A>G (p.Lys139Glu) variant was identified at a near heterozygous allelic fraction of 48.6%, a frequency which may be consistent with it being of germline origin. This variant, to our knowledge, has not been reported in the medical literature. This variant has been reported in the ClinVar database as both a variant of uncertain significance and a likely benign variant by multiple submitters in a germline state (ClinVar variation ID: 362905). This variant is observed on 239/1,614,004 alleles in the general population (gnomAD v4.1.0). Computational predictors are uncertain as to the impact of this variant on FGFR1 function. Due to limited information, and based on ACMG/AMP guidelines for variant interpretation (Richards S et al., PMID: 25741868), the clinical significance of this variant is uncertain at this time.

Labcorp Genetics (formerly Invitae), Labcorp
Classification: Uncertain significance for Pfeiffer syndrome; Hypogonadotropic hypogonadism 2 with or without anosmia. Last evaluated: 2024-09-22. Review status: criteria provided, single submitter. Criteria: Invitae Variant Classification Sherloc (09022015). Collection method: clinical testing. Allele origin: germline.
Comment: This sequence change replaces lysine, which is basic and polar, with glutamic acid, which is acidic and polar, at codon 139 of the FGFR1 protein (p.Lys139Glu). This variant is present in population databases (rs201054877, gnomAD 0.02%), and has an allele count higher than expected for a pathogenic variant. This variant has not been reported in the literature in individuals affected with FGFR1-related conditions. ClinVar contains an entry for this variant (Variation ID: 362905). Invitae Evidence Modeling of protein sequence and biophysical properties (such as structural, functional, and spatial information, amino acid conservation, physicochemical variation, residue mobility, and thermodynamic stability) has been performed for this missense variant. However, the output from this modeling did not meet the statistical confidence thresholds required to predict the impact of this variant on FGFR1 protein function. In summary, the available evidence is currently insufficient to determine the role of this variant in disease. Therefore, it has been classified as a Variant of Uncertain Significance.

Ambry Genetics
Classification: Uncertain significance for Inborn genetic diseases. Last evaluated: 2021-08-09. Review status: criteria provided, single submitter. Criteria: Ambry Variant Classification Scheme 2023. Collection method: clinical testing. Allele origin: germline.

GeneDx
Classification: Likely benign. Last evaluated: 2021-05-01. Review status: criteria provided, single submitter. Criteria: GeneDx Variant Classification Process June 2021. Collection method: clinical testing. Allele origin: germline. Affected: yes.
Comment: In silico analysis, which includes protein predictors and evolutionary conservation, supports that this variant does not alter protein structure/function; Has not been previously published as pathogenic or benign to our knowledge

Illumina Laboratory Services, Illumina
Classification: Uncertain significance for Craniosynostosis. Last evaluated: 2018-01-13. Review status: criteria provided, single submitter. Criteria: ICSL Variant Classification Criteria 13 December 2019. Collection method: clinical testing. Allele origin: germline.

Illumina Laboratory Services, Illumina
Classification: Likely benign for Osteoglophonic dysplasia. Last evaluated: 2018-01-13. Review status: criteria provided, single submitter. Criteria: ICSL Variant Classification Criteria 13 December 2019. Collection method: clinical testing. Allele origin: germline.
Comment: This variant was observed in the ICSL laboratory as part of a predisposition screen in an ostensibly healthy population. It had not been previously curated by ICSL or reported in the Human Gene Mutation Database (HGMD: prior to June 1st, 2018), and was therefore a candidate for classification through an automated scoring system. Utilizing variant allele frequency, disease prevalence and penetrance estimates, and inheritance mode, an automated score was calculated to assess if this variant is too frequent to cause the disease. Based on the score and internal cut-off values, a variant classified as likely benign is not then subjected to further curation. The score for this variant resulted in a classification of likely benign for this disease.

Illumina Laboratory Services, Illumina
Classification: Likely benign for Trigonocephaly 1. Last evaluated: 2018-01-13. Review status: criteria provided, single submitter. Criteria: ICSL Variant Classification Criteria 13 December 2019. Collection method: clinical testing. Allele origin: germline.
Comment: the same text as in the submission from Illumina Laboratory Services, Illumina above.

Illumina Laboratory Services, Illumina
Classification: Uncertain significance for Hypogonadotropic hypogonadism 2 with or without anosmia. Last evaluated: 2018-01-13. Review status: criteria provided, single submitter. Criteria: ICSL Variant Classification Criteria 13 December 2019. Collection method: clinical testing. Allele origin: germline.

NM_023110.3(FGFR1):c.415A>G (p.Lys139Glu)

Gene: FGFR1 (fibroblast growth factor receptor 1; minus strand). Cytogenetic location: 8p11.23.
Variant type: single nucleotide variant.
Coding change: c.415A>G on transcript NM_023110.3 (MANE Select); coding-DNA position 415, A replaced by G.
Protein change: p.Lys139Glu; replaces lysine 139 with glutamic acid.
Molecular consequence: missense variant.
Genome position (GRCh38, 1-based): chr8:38,428,379, T>C on the plus strand (A>G on the coding strand, the complement: FGFR1 is on the minus strand). VCF-style: chr8-38428379-T-C. GRCh37 (hg19) VCF-style: chr8-38285897-T-C.
Other names: c.415A>G, p.Lys139Glu (NM_001174063.2, NM_001174065.2, NM_001354367.2 and 2 more transcripts); c.391A>G, p.Lys131Glu (NM_001174064.2); c.148A>G, p.Lys50Glu (NM_001174066.2, NM_001354368.2, NM_001354370.2 and 2 more transcripts); c.514A>G, p.Lys172Glu (NM_001174067.2); short protein forms K139E, K131E, K172E, K50E.
Identifiers: ClinVar variation 362905 (VCV000362905.17), dbSNP rs201054877, ClinGen allele CA4718752.